The following is an entry in ClinVar:

ClinVar aggregate classification (germline): Uncertain significance. Review status: criteria provided, multiple submitters, no conflicts (2 of 4 stars). 2 submissions from 2 submitters: Uncertain significance (2). Last evaluated 2026-07-01.

Conditions:
Bardet-Biedl syndrome (BBS). Identifiers: Orphanet 110, MedGen C0752166, MONDO:0015229.
BBS5-related disorder. Also called: BBS5-related condition.

Allele frequency attached by ClinVar (database versions not stated): gnomAD exomes below 0.00001; ExAC 0.00001; gnomAD 0.00001; TOPMed 0.00001.
gnomAD v4.1: 6 of 1,588,336 alleles (0.00038%); highest among the groups gnomAD compares: Admixed American, 0.0067%; no homozygotes.

Submissions (2):

PreventionGenetics, part of Exact Sciences
Classification: Uncertain significance for BBS5-related condition. Last evaluated: 2026-07-01. Review status: criteria provided, single submitter. Criteria: ACMG Guidelines, 2015. Collection method: clinical testing. Allele origin: germline.
Comment: The BBS5 c.670A>C variant is predicted to result in the amino acid substitution p.Ser224Arg. To our knowledge, this variant has not been reported in the literature. This variant is reported in 0.00088% of alleles in individuals of European (Non-Finnish) descent in gnomAD. At this time, the clinical significance of this variant is uncertain due to the absence of conclusive functional and genetic evidence.

Labcorp Genetics (formerly Invitae), Labcorp
Classification: Uncertain significance for Bardet-Biedl syndrome. Last evaluated: 2024-11-05. Review status: criteria provided, single submitter. Criteria: Invitae Variant Classification Sherloc (09022015). Collection method: clinical testing. Allele origin: germline.
Comment: This sequence change replaces serine, which is neutral and polar, with arginine, which is basic and polar, at codon 224 of the BBS5 protein (p.Ser224Arg). This variant is present in population databases (rs760706516, gnomAD 0.0009%). This variant has not been reported in the literature in individuals affected with BBS5-related conditions. ClinVar contains an entry for this variant (Variation ID: 2193342). Invitae Evidence Modeling of protein sequence and biophysical properties (such as structural, functional, and spatial information, amino acid conservation, physicochemical variation, residue mobility, and thermodynamic stability) indicates that this missense variant is not expected to disrupt BBS5 protein function with a negative predictive value of 80%. In summary, the available evidence is currently insufficient to determine the role of this variant in disease. Therefore, it has been classified as a Variant of Uncertain Significance.

NM_152384.3(BBS5):c.670A>C (p.Ser224Arg)

Gene: BBS5 (Bardet-Biedl syndrome 5; plus strand). Cytogenetic location: 2q31.1.
Variant type: single nucleotide variant.
Coding change: c.670A>C on transcript NM_152384.3 (MANE Select); coding-DNA position 670, A replaced by C.
Protein change: p.Ser224Arg; replaces serine 224 with arginine.
Molecular consequence: missense variant.
Genome position (GRCh38, 1-based): chr2:169,497,678, A>C. VCF-style: chr2-169497678-A-C. GRCh37 (hg19) VCF-style: chr2-170354188-A-C.
Other names: c.670A>C (NM_152384.2); short protein forms S224R.
Identifiers: ClinVar variation 2193342 (VCV002193342.5), dbSNP rs760706516, ClinGen allele CA1956269.